The following is an entry in ClinVar:

NM_021620.4(PRDM13):c.1310C>G (p.Pro437Arg)

Gene: PRDM13 (PR/SET domain 13; plus strand). Cytogenetic location: 6q16.2.
Variant type: single nucleotide variant.
Coding change: c.1310C>G on transcript NM_021620.4 (MANE Select); coding-DNA position 1310, C replaced by G.
Protein change: p.Pro437Arg; replaces proline 437 with arginine.
Molecular consequence: missense variant.
Genome position (GRCh38, 1-based): chr6:99,613,945, C>G. VCF-style: chr6-99613945-C-G. GRCh37 (hg19) VCF-style: chr6-100061821-C-G.
Other names: short protein forms P437R.
Identifiers: ClinVar variation 1925968 (VCV001925968.5), dbSNP rs200429669, ClinGen allele CA3936354.

ClinVar aggregate classification (germline): Uncertain significance (1 of 4 stars; one submission).

Submission:

Labcorp Genetics (formerly Invitae), Labcorp
Classification: Uncertain significance. Last evaluated: 2024-12-30. Review status: criteria provided, single submitter. Criteria: Invitae Variant Classification Sherloc (09022015). Collection method: clinical testing. Allele origin: germline.
Comment: This sequence change replaces proline, which is neutral and non-polar, with arginine, which is basic and polar, at codon 437 of the PRDM13 protein (p.Pro437Arg). This variant is present in population databases (rs200429669, gnomAD 0.002%). This variant has not been reported in the literature in individuals affected with PRDM13-related conditions. ClinVar contains an entry for this variant (Variation ID: 1925968). An algorithm developed to predict the effect of missense changes on protein structure and function (PolyPhen-2) suggests that this variant is likely to be disruptive. In summary, the available evidence is currently insufficient to determine the role of this variant in disease. Therefore, it has been classified as a Variant of Uncertain Significance.